The following is an entry in ClinVar:

ClinVar aggregate classification (germline): Uncertain significance (1 of 4 stars; one submission).

Submission:

Labcorp Genetics (formerly Invitae), Labcorp
Classification: Uncertain significance. Last evaluated: 2025-06-01. Review status: criteria provided, single submitter. Criteria: Invitae Variant Classification Sherloc (09022015). Collection method: clinical testing. Allele origin: germline.
Comment: This sequence change replaces glycine, which is neutral and non-polar, with alanine, which is neutral and non-polar, at codon 211 of the HPS6 protein (p.Gly211Ala). This variant is present in population databases (no rsID available, gnomAD 0.0004%). This variant has not been reported in the literature in individuals affected with HPS6-related conditions. ClinVar contains an entry for this variant (Variation ID: 2108242). An algorithm developed to predict the effect of missense changes on protein structure and function (PolyPhen-2) suggests that this variant is likely to be disruptive. In summary, the available evidence is currently insufficient to determine the role of this variant in disease. Therefore, it has been classified as a Variant of Uncertain Significance.

NM_024747.6(HPS6):c.632_633delinsCT (p.Gly211Ala)

Gene: HPS6 (HPS6 biogenesis of lysosomal organelles complex 2 subunit 3; plus strand). Cytogenetic location: 10q24.32.
Variant type: Indel.
Coding change: c.632_633delinsCT on transcript NM_024747.6 (MANE Select); coding-DNA positions 632 to 633, GC replaced by CT.
Protein change: p.Gly211Ala; replaces glycine 211 with alanine.
Molecular consequence: missense variant.
Genome position (GRCh38, 1-based): chr10:102,066,106-102,066,107, GC replaced by CT. VCF-style: chr10-102066106-GC-CT. GRCh37 (hg19) VCF-style: chr10-103825863-GC-CT.
Other names: short protein forms G211A.
Identifiers: ClinVar variation 2108242 (VCV002108242.2), dbSNP rs2540986915, ClinGen allele CA2580081241.